The following is an entry in ClinVar:

ClinVar aggregate classification (germline): Pathogenic (1 of 4 stars; one submission).

Conditions:
Bardet-Biedl syndrome (BBS). Identifiers: Orphanet 110, MedGen C0752166, MONDO:0015229.

Submission:

Labcorp Genetics (formerly Invitae), Labcorp
Classification: Pathogenic for Bardet-Biedl syndrome. Last evaluated: 2022-09-03. Review status: criteria provided, single submitter. Criteria: Invitae Variant Classification Sherloc (09022015). Collection method: clinical testing. Allele origin: germline.
Comment: For these reasons, this variant has been classified as Pathogenic. This variant disrupts a region of the BBS1 protein in which other variant(s) (p.Glu224Lys) have been determined to be pathogenic (PMID: 22773737; Invitae). This suggests that this is a clinically significant region of the protein, and that variants that disrupt it are likely to be disease-causing. This variant has not been reported in the literature in individuals affected with BBS1-related conditions. This variant is a gross deletion of the genomic region encompassing exon(s) 8-10 of the BBS1 gene. This variant would be expected to be in-frame, preserving the integrity of the reading frame.

Literature cited by the submitters: PubMed 22773737.

NC_000011.9:g.(?_66287078)_(66291105_?)del

Gene: BBS1 (Bardet-Biedl syndrome 1; plus strand). Cytogenetic location: 11q13.2.
Variant type: Deletion.
Identifiers: ClinVar variation 2426850 (VCV002426850.4).